The following is an entry in ClinVar:

ClinVar aggregate classification (germline): Likely benign (1 of 4 stars; one submission).

Conditions:
MYH9-related disorder. Identifiers: MedGen C1854520.

gnomAD v4.1: 1 of 1,607,402 alleles (0.000062%); highest among the groups gnomAD compares: Non-Finnish European, 0.000085%; no homozygotes.

Submission:

PreventionGenetics, part of Exact Sciences
Classification: Likely benign for MYH9-related condition. Last evaluated: 2024-10-08. Review status: criteria provided, single submitter. Criteria: ACMG Guidelines, 2015. Collection method: clinical testing. Allele origin: germline.
Comment: This variant is classified as likely benign based on ACMG/AMP sequence variant interpretation guidelines (Richards et al. 2015 PMID: 25741868, with internal and published modifications).

NM_002473.6(MYH9):c.5275-4G>C

Gene: MYH9 (myosin heavy chain 9; minus strand). Cytogenetic location: 22q12.3.
Variant type: single nucleotide variant.
Coding change: c.5275-4G>C on transcript NM_002473.6 (MANE Select); 4 bases into the intron before coding-DNA position 5275, G replaced by C.
Molecular consequence: intron variant.
Genome position (GRCh38, 1-based): chr22:36,285,333, C>G on the plus strand (G>C on the coding strand, the complement: MYH9 is on the minus strand). VCF-style: chr22-36285333-C-G. GRCh37 (hg19) VCF-style: chr22-36681379-C-G.
Identifiers: ClinVar variation 5000695 (VCV005000695.1).